The following is an entry in ClinVar:

NM_152296.5(ATP1A3):c.315C>T (p.Tyr105=)

Gene: ATP1A3 (ATPase Na+/K+ transporting subunit alpha 3; minus strand). Cytogenetic location: 19q13.2.
Variant type: single nucleotide variant.
Coding change: c.315C>T on transcript NM_152296.5 (MANE Select); coding-DNA position 315, C replaced by T.
Protein change: p.Tyr105=; no amino-acid change (tyrosine 105 retained).
Molecular consequence: synonymous variant.
Genome position (GRCh38, 1-based): chr19:41,987,978, G>A on the plus strand (C>T on the coding strand, the complement: ATP1A3 is on the minus strand). VCF-style: chr19-41987978-G-A. GRCh37 (hg19) VCF-style: chr19-42492130-G-A.
Other names: c.348C>T, p.Tyr116= (NM_001256213.2); c.354C>T, p.Tyr118= (NM_001256214.2).
Identifiers: ClinVar variation 425190 (VCV000425190.52), dbSNP rs782717865, ClinGen allele CA9467906.
Genomic context (GRCh38, chr19:41,987,978, plus strand): 5'-CAGGGTCCAGGCACTCACGTTGTCACCAGAGGGGTCGTCCTCGGTGCCCGCCTGGATACC[G>A]TAGGCCAGGAAGCAGAGGATAGCCCCGATCCACAGCAGGATGGAGAAGCCCCCGAAGAGC-3'
Protein context (NP_689509.1, residues 95-115): WIGAILCFLA[Tyr105=]GIQAGTEDDP

ClinVar aggregate classification (germline): Likely benign. Review status: criteria provided, multiple submitters, no conflicts (2 of 4 stars). 2 submissions from 2 submitters: Likely benign (2). Last evaluated 2025-04-30.

Conditions:
Dystonia 12 (DYT12). Also called: Rapid-Onset Dystonia-Parkinsonism (RDP); DYT-ATP1A3. Identifiers: Orphanet 71517, MedGen C1868681, MONDO:0007496, OMIM 128235.

Allele frequency attached by ClinVar (database versions not stated): gnomAD 0.00001; TOPMed 0.00001; gnomAD exomes 0.00004 and 0.00009; ExAC 0.00012.
gnomAD v4.1: 61 of 1,614,010 alleles (0.0038%); highest among the groups gnomAD compares: South Asian, 0.05%; no homozygotes.

Submissions (2):

Labcorp Genetics (formerly Invitae), Labcorp
Classification: Likely benign for Dystonia 12. Last evaluated: 2025-04-30. Review status: criteria provided, single submitter. Criteria: Invitae Variant Classification Sherloc (09022015). Collection method: clinical testing. Allele origin: germline.

CeGaT Center for Human Genetics Tuebingen
Classification: Likely benign. Last evaluated: 2023-04-01. Review status: criteria provided, single submitter. Criteria: CeGaT Center For Human Genetics Tuebingen Variant Classification Criteria Version 2. Collection method: clinical testing. Allele origin: germline. Affected: yes. Observed: 2 variant alleles.
Comment: ATP1A3: BP4, BP7